The following is an entry in ClinVar:

NM_022081.6(HPS4):c.357C>G (p.Tyr119Ter)

Gene: HPS4 (HPS4 biogenesis of lysosomal organelles complex 3 subunit 2; minus strand). Cytogenetic location: 22q12.1.
Variant type: single nucleotide variant.
Coding change: c.357C>G on transcript NM_022081.6 (MANE Select); coding-DNA position 357, C replaced by G.
Protein change: p.Tyr119Ter; replaces tyrosine 119 with a stop codon.
Molecular consequence: nonsense. On other transcripts: non-coding transcript variant (8).
Genome position (GRCh38, 1-based): chr22:26,472,859, G>C on the plus strand (C>G on the coding strand, the complement: HPS4 is on the minus strand). VCF-style: chr22-26472859-G-C. GRCh37 (hg19) VCF-style: chr22-26868825-G-C.
Other names: NR_146316.2:n.945C>G; c.357C>G, p.Tyr119Ter (NM_001349896.1, NM_001349898.2, NM_001349899.2 and 7 more transcripts); c.342C>G, p.Tyr114Ter (NM_152841.2); short protein forms Y114*, Y119*.
Identifiers: ClinVar variation 2412668 (VCV002412668.5), dbSNP rs767168755, ClinGen allele CA10163742.

ClinVar aggregate classification (germline): Conflicting classifications of pathogenicity. Review status: criteria provided, conflicting classifications (1 of 4 stars). 2 submissions from 2 submitters: Pathogenic (1); Uncertain significance (1). Last evaluated 2026-01-28.

Conditions:
Hermansky-Pudlak syndrome 4 (HPS4). Identifiers: Orphanet 231500, Orphanet 79430, MedGen C3484357, MONDO:0013556, OMIM 614073.

Allele frequency attached by ClinVar (database versions not stated): TOPMed below 0.00001; ExAC 0.00001.

Submissions (2):

Labcorp Genetics (formerly Invitae), Labcorp
Classification: Pathogenic. Last evaluated: 2026-01-28. Review status: criteria provided, single submitter. Criteria: Invitae Variant Classification Sherloc (09022015). Collection method: clinical testing. Allele origin: germline.
Comment: This sequence change creates a premature translational stop signal (p.Tyr119*) in the HPS4 gene. It is expected to result in an absent or disrupted protein product. Loss-of-function variants in HPS4 are known to be pathogenic (PMID: 12664304). This variant is present in population databases (rs767168755, gnomAD 0.0009%). This premature translational stop signal has been observed in individual(s) with Hermansky–Pudlak syndrome (PMID: 31898847). ClinVar contains an entry for this variant (Variation ID: 2412668). Algorithms developed to predict the effect of sequence changes on RNA splicing suggest that this variant may disrupt the consensus splice site. For these reasons, this variant has been classified as Pathogenic.

Broad Center for Mendelian Genomics, Broad Institute of MIT and Harvard
Classification: Uncertain significance for Hermansky-Pudlak syndrome 4. Last evaluated: 2023-01-24. Review status: criteria provided, single submitter. Criteria: ACMG Guidelines, 2015. Collection method: curation. Allele origin: germline. Inheritance: Autosomal recessive inheritance.
Comment: The p.Tyr119Ter variant in HPS4 has been reported in 1 individual, in the compound heterozygous state, with Hermansky-Pudlak syndrome 4 (PMID: 31898847) and has been identified in 0.0009% (1/113762) of European (non-Finnish) chromosomes by the Genome Aggregation Database (gnomAD; dbSNP ID: rs767168755). Although this variant has been seen in the general population in a heterozygous state, its frequency is low enough to be consistent with a recessive carrier frequency. This nonsense variant leads to a premature termination codon at position 119, which is predicted to lead to a truncated or absent protein. Loss of function of the HPS4 gene is strongly associated to autosomal recessive Hermansky-Pudlak syndrome 4. In summary, while there is some suspicion for a pathogenic role, the clinical significance of this variant is uncertain. ACMG/AMP Criteria applied: PVS1_strong, PM2_supporting (Richards 2015).

Literature cited by the submitters: PubMed 12664304 (cited by Labcorp Genetics (formerly Invitae), Labcorp); PubMed 31898847 (cited by Labcorp Genetics (formerly Invitae), Labcorp).